The following is an entry in ClinVar:

ClinVar aggregate classification (germline): Uncertain significance (1 of 4 stars; one submission).

Conditions:
MCCC1-related disorder. Also called: MCCC1-related condition.

gnomAD v4.1: 1 of 1,614,044 alleles (0.000062%); highest among the groups gnomAD compares: African/African-American, 0.0013%; no homozygotes.

Submission:

PreventionGenetics, part of Exact Sciences
Classification: Uncertain significance for MCCC1-related condition. Last evaluated: 2024-12-04. Review status: criteria provided, single submitter. Criteria: ACMG Guidelines, 2015. Collection method: clinical testing. Allele origin: germline.
Comment: The MCCC1 c.102G>A variant is predicted to result in premature protein termination (p.Trp34*). To our knowledge, this variant has not been reported in the literature. This variant is reported in 0.0062% of alleles in individuals of African descent in gnomAD. At this time, the clinical significance of this variant is uncertain due to the absence of conclusive functional and genetic evidence.

NM_020166.5(MCCC1):c.331G>A (p.Glu111Lys)

Gene: MCCC1 (methylcrotonyl-CoA carboxylase subunit 1; minus strand). Cytogenetic location: 3q27.1.
Variant type: single nucleotide variant.
Coding change: c.331G>A on transcript NM_020166.5 (MANE Select); coding-DNA position 331, G replaced by A.
Protein change: p.Glu111Lys; replaces glutamic acid 111 with lysine.
Molecular consequence: missense variant. On other transcripts: nonsense (1), non-coding transcript variant (1).
Genome position (GRCh38, 1-based): chr3:183,086,731, C>T on the plus strand (G>A on the coding strand, the complement: MCCC1 is on the minus strand). VCF-style: chr3-183086731-C-T. GRCh37 (hg19) VCF-style: chr3-182804519-C-T.
Other names: c.102G>A, p.Trp34Ter (NM_001293273.2); c.4G>A, p.Glu2Lys (NM_001363880.1); short protein forms E2K, W34*, E111K.
Identifiers: ClinVar variation 4978228 (VCV004978228.1).